The following is an entry in ClinVar:

ClinVar aggregate classification (germline): Uncertain significance (1 of 4 stars; one submission).

Conditions:
Arrhythmogenic right ventricular cardiomyopathy (ARVD). Also called: Arrhythmogenic right ventricular dysplasia; Cardiomyopathy, ARVC; Arrhythmogenic cardiomyopathy; Arrhythmogenic Right Ventricular Cardiomyopathy (ARVC). Identifiers: Orphanet 247, MedGen C0349788, MeSH D019571, MONDO:0016587. Disease mechanism: loss of function. Inheritance: Various modes of inheritance.

Submission:

All of Us Research Program, National Institutes of Health
Classification: Uncertain significance for Arrhythmogenic right ventricular cardiomyopathy. Last evaluated: 2024-03-05. Review status: criteria provided, single submitter. Criteria: ACMG Guidelines, 2015. Collection method: clinical testing. Allele origin: germline. Inheritance: Autosomal dominant inheritance. Observed: 1 variant allele, 1 heterozygote.
Comment: This study involves interpretation of variants in research participants for the purpose of population health screening. Participant phenotype was not available at the time of variant classification. Additional details can be found in publication PMID: 35346344, PMCID: PMC8962531

NM_001005242.3(PKP2):c.506G>A (p.Ser169Asn)

Gene: PKP2 (plakophilin 2; minus strand). Cytogenetic location: 12p11.21.
Variant type: single nucleotide variant.
Coding change: c.506G>A on transcript NM_001005242.3 (MANE Select); coding-DNA position 506, G replaced by A.
Protein change: p.Ser169Asn; replaces serine 169 with asparagine.
Molecular consequence: missense variant.
Genome position (GRCh38, 1-based): chr12:32,878,374, C>T on the plus strand (G>A on the coding strand, the complement: PKP2 is on the minus strand). VCF-style: chr12-32878374-C-T. GRCh37 (hg19) VCF-style: chr12-33031308-C-T.
Other names: c.506G>A, p.Ser169Asn (NM_001407155.1, NM_001407156.1, NM_001407157.1 and 2 more transcripts); c.179G>A, p.Ser60Asn (NM_001407158.1, NM_001407159.1, NM_001407160.1 and 1 more transcripts); short protein forms S169N, S60N.
Identifiers: ClinVar variation 3387499 (VCV003387499.1).